The following is an entry in ClinVar:

ClinVar aggregate classification (germline): Uncertain significance (1 of 4 stars; one submission).

Allele frequency attached by ClinVar (database versions not stated): TOPMed below 0.00001; ExAC 0.00001; gnomAD 0.00001; gnomAD exomes 0.00001.
gnomAD v4.1: 21 of 1,603,494 alleles (0.0013%); highest among the groups gnomAD compares: Non-Finnish European, 0.0016%; no homozygotes.

Submission:

Labcorp Genetics (formerly Invitae), Labcorp
Classification: Uncertain significance. Last evaluated: 2023-08-30. Review status: criteria provided, single submitter. Criteria: Invitae Variant Classification Sherloc (09022015). Collection method: clinical testing. Allele origin: germline.
Comment: In summary, the available evidence is currently insufficient to determine the role of this variant in disease. Therefore, it has been classified as a Variant of Uncertain Significance. Advanced modeling of protein sequence and biophysical properties (such as structural, functional, and spatial information, amino acid conservation, physicochemical variation, residue mobility, and thermodynamic stability) has been performed at Invitae for this missense variant, however the output from this modeling did not meet the statistical confidence thresholds required to predict the impact of this variant on SPTBN2 protein function. This variant has not been reported in the literature in individuals affected with SPTBN2-related conditions. This variant is present in population databases (rs772213139, gnomAD 0.0008%). This sequence change replaces aspartic acid, which is acidic and polar, with valine, which is neutral and non-polar, at codon 1673 of the SPTBN2 protein (p.Asp1673Val).

NM_006946.4(SPTBN2):c.5018A>T (p.Asp1673Val)

Gene: SPTBN2 (spectrin beta, non-erythrocytic 2; minus strand). Cytogenetic location: 11q13.2.
Variant type: single nucleotide variant.
Coding change: c.5018A>T on transcript NM_006946.4 (MANE Select); coding-DNA position 5018, A replaced by T.
Protein change: p.Asp1673Val; replaces aspartic acid 1673 with valine.
Molecular consequence: missense variant.
Genome position (GRCh38, 1-based): chr11:66,692,708, T>A on the plus strand (A>T on the coding strand, the complement: SPTBN2 is on the minus strand). VCF-style: chr11-66692708-T-A. GRCh37 (hg19) VCF-style: chr11-66460179-T-A.
Other names: c.5039A>T, p.Asp1680Val (NM_001411025.1); short protein forms D1680V, D1673V.
Identifiers: ClinVar variation 3010795 (VCV003010795.3), dbSNP rs772213139, ClinGen allele CA6128389.